The following is an entry in ClinVar:

NC_000006.11:g.(?_33131455)_(33144283_?)del

Gene: COL11A2 (collagen type XI alpha 2 chain; minus strand). Cytogenetic location: 6p21.32.
Variant type: Deletion.
Identifiers: ClinVar variation 3246241 (VCV003246241.1).

ClinVar aggregate classification (germline): Uncertain significance (1 of 4 stars; one submission).

Submission:

Labcorp Genetics (formerly Invitae), Labcorp
Classification: Uncertain significance. Last evaluated: 2023-01-03. Review status: criteria provided, single submitter. Criteria: Invitae Variant Classification Sherloc (09022015). Collection method: clinical testing. Allele origin: unknown.
Comment: In summary, the available evidence is currently insufficient to determine the role of this variant in disease. Therefore, it has been classified as a Variant of Uncertain Significance. This variant has not been reported in the literature in individuals affected with COL11A2-related conditions. This variant is a gross deletion of the genomic region encompassing exon(s) 27-66 of the COL11A2 gene, which includes the termination codon. This deletion extends beyond the assayed region for this gene and therefore may encompass additional genes. While this deletion is not anticipated to lead to nonsense mediated decay, it is expected to alter mRNA translation or result in a truncated protein product.